The following is an entry in ClinVar:

ClinVar aggregate classification (germline): Uncertain significance (1 of 4 stars; one submission).

Submission:

GeneDx
Classification: Uncertain significance. Last evaluated: 2022-11-25. Review status: criteria provided, single submitter. Criteria: GeneDx Variant Classification Process June 2021. Collection method: clinical testing. Allele origin: germline. Affected: yes.
Comment: Not observed at significant frequency in large population cohorts (gnomAD); Has not been previously published as pathogenic or benign to our knowledge; In silico analysis suggests this variant may impact gene splicing. In the absence of RNA/functional studies, the actual effect of this sequence change is unknown.

NM_006521.6(TFE3):c.1004-10T>C

Gene: TFE3 (transcription factor binding to IGHM enhancer 3; minus strand). Cytogenetic location: Xp11.23.
Variant type: single nucleotide variant.
Coding change: c.1004-10T>C on transcript NM_006521.6 (MANE Select); 10 bases into the intron before coding-DNA position 1004, T replaced by C.
Molecular consequence: intron variant.
Genome position (GRCh38, 1-based): chrX:49,033,792, A>G on the plus strand (T>C on the coding strand, the complement: TFE3 is on the minus strand). VCF-style: chrX-49033792-A-G. GRCh37 (hg19) VCF-style: chrX-48891307-A-G.
Other names: c.689-10T>C (NM_001282142.2).
Identifiers: ClinVar variation 2503335 (VCV002503335.1), dbSNP rs2520145567, ClinGen allele CA2580617038.